The following is an entry in ClinVar:

NM_032982.4(CASP2):c.532C>G (p.Pro178Ala)

Gene: CASP2 (caspase 2; plus strand). Cytogenetic location: 7q34.
Variant type: single nucleotide variant.
Coding change: c.532C>G on transcript NM_032982.4 (MANE Select); coding-DNA position 532, C replaced by G.
Protein change: p.Pro178Ala; replaces proline 178 with alanine.
Molecular consequence: missense variant.
Genome position (GRCh38, 1-based): chr7:143,294,286, C>G. VCF-style: chr7-143294286-C-G. GRCh37 (hg19) VCF-style: chr7-142991379-C-G.
Other names: c.439C>G, p.Pro147Ala (NM_001224.5); c.314C>G, p.Ala105Gly (NM_032983.4); short protein forms A105G, P147A, P178A.
Identifiers: ClinVar variation 3036802 (VCV003036802.2), dbSNP rs4647298, ClinGen allele CA4536486.

ClinVar aggregate classification (germline): Likely benign (0 of 4 stars; one submission).

Conditions:
CASP2-related disorder. Also called: CASP2-related condition.

Allele frequency attached by ClinVar (database versions not stated): ExAC 0.00028; 1000 Genomes Project 30x 0.00047; 1000 Genomes Project 0.00060; ESP Exome Variant Server 0.00069.

Submission:

PreventionGenetics, part of Exact Sciences
Classification: Likely benign for CASP2-related condition. Last evaluated: 2023-05-30. Review status: no assertion criteria provided. Collection method: clinical testing. Allele origin: germline.
Comment: This variant is classified as likely benign based on ACMG/AMP sequence variant interpretation guidelines (Richards et al. 2015 PMID: 25741868, with internal and published modifications).